The following is an entry in ClinVar:

NM_133379.5(TTN):c.15386C>G (p.Thr5129Ser)

Gene: TTN (titin; minus strand). Cytogenetic location: 2q31.2.
Variant type: single nucleotide variant.
Coding change: c.15386C>G on transcript NM_133379.5 (MANE Plus Clinical); coding-DNA position 15386, C replaced by G.
Protein change: p.Thr5129Ser; replaces threonine 5129 with serine.
Molecular consequence: missense variant. On other transcripts: intron variant (6).
Genome position (GRCh38, 1-based): chr2:178,747,014, G>C on the plus strand (C>G on the coding strand, the complement: TTN is on the minus strand). VCF-style: chr2-178747014-G-C. GRCh37 (hg19) VCF-style: chr2-179611741-G-C.
Other names: c.10223-5093C>G (NM_003319.4); c.10799-5093C>G (NM_133437.4); c.10598-5093C>G (NM_133432.3); c.10360+6110C>G (NM_133378.4); c.10361-5093C>G (NM_001256850.1); c.11312-5093C>G (NM_001267550.2); short protein forms T5129S.
Identifiers: ClinVar variation 192044 (VCV000192044.1), dbSNP rs201916135, ClinGen allele CA238177.
Genomic context (GRCh38, chr2:178,747,014, plus strand): 5'-TAGAAATGCTCATTTGGTGTACCGTCTTCCCTTTCTATTTTTGATGGATATGTTTTAAAA[G>C]TACCAGTGGGGTTTGGTCCTCCAGTAGGAATAGAATATCTCTCTAGTGCCTCCCCTGGGG-3'

ClinVar aggregate classification (germline): Uncertain significance (1 of 4 stars; one submission).

Allele frequency attached by ClinVar (database versions not stated): gnomAD 0.00001; TOPMed 0.00002.
gnomAD v4.1: 10 of 1,613,282 alleles (0.00062%); highest among the groups gnomAD compares: South Asian, 0.0011%; no homozygotes.

Submission:

Biesecker Lab/Clinical Genomics Section, National Institutes of Health
Classification: Uncertain significance. Last evaluated: 2013-06-24. Review status: criteria provided, single submitter. Criteria: Ng et al. (Circ Cardiovasc Genet. 2013). Collection method: research. Allele origin: unknown. Observed: 1 variant allele. Study: ClinSeq.
Comment: The study set was not selected for affection status in relation to any cancer. Pathogenicity categories were based on literature curation. See Pubmed ID:23861362 for details.

Medical sequencing